The following is an entry in ClinVar:

NM_020964.3(EPG5):c.6155A>G (p.His2052Arg)

Gene: EPG5 (ectopic P-granules 5 autophagy tethering factor; minus strand). Cytogenetic location: 18q12.3.
Variant type: single nucleotide variant.
Coding change: c.6155A>G on transcript NM_020964.3 (MANE Select); coding-DNA position 6155, A replaced by G.
Protein change: p.His2052Arg; replaces histidine 2052 with arginine.
Molecular consequence: missense variant.
Genome position (GRCh38, 1-based): chr18:45,870,637, T>C on the plus strand (A>G on the coding strand, the complement: EPG5 is on the minus strand). VCF-style: chr18-45870637-T-C. GRCh37 (hg19) VCF-style: chr18-43450602-T-C.
Other names: c.6155A>G, p.His2052Arg (NM_001410858.1); c.6152A>G, p.His2051Arg (NM_001410859.1); short protein forms H2052R, H2051R.
Identifiers: ClinVar variation 2585568 (VCV002585568.4), dbSNP rs777644749, ClinGen allele CA8948360.

ClinVar aggregate classification (germline): Uncertain significance. Review status: criteria provided, multiple submitters, no conflicts (2 of 4 stars). 2 submissions from 2 submitters: Uncertain significance (2). Last evaluated 2023-10-15.

Conditions:
Vici syndrome (VICIS). Identifiers: Orphanet 1493, MedGen C1855772, MONDO:0009452, OMIM 242840.

Allele frequency attached by ClinVar (database versions not stated): ExAC 0.00001.
gnomAD v4.1: 2 of 1,614,030 alleles (0.00012%); highest among the groups gnomAD compares: Non-Finnish European, 0.00017%; no homozygotes.

Submissions (2):

Labcorp Genetics (formerly Invitae), Labcorp
Classification: Uncertain significance for Vici syndrome. Last evaluated: 2023-10-15. Review status: criteria provided, single submitter. Criteria: Invitae Variant Classification Sherloc (09022015). Collection method: clinical testing. Allele origin: germline.
Comment: This sequence change replaces histidine, which is basic and polar, with arginine, which is basic and polar, at codon 2052 of the EPG5 protein (p.His2052Arg). This variant is not present in population databases (gnomAD no frequency). This variant has not been reported in the literature in individuals affected with EPG5-related conditions. Advanced modeling of protein sequence and biophysical properties (such as structural, functional, and spatial information, amino acid conservation, physicochemical variation, residue mobility, and thermodynamic stability) performed at Invitae indicates that this missense variant is expected to disrupt EPG5 protein function. In summary, the available evidence is currently insufficient to determine the role of this variant in disease. Therefore, it has been classified as a Variant of Uncertain Significance.

Neuberg Centre For Genomic Medicine, NCGM
Classification: Uncertain significance for Vici syndrome. Review status: criteria provided, single submitter. Criteria: ACMG Guidelines, 2015. Collection method: clinical testing. Allele origin: germline. Inheritance: Autosomal recessive inheritance. Affected: yes.
Comment: The missense variant in c.6155A>G (p.His2052Arg) in EPG5 gene has not been reported previously as a pathogenic variant nor as a benign variant, to our knowledge. The p.His2052Arg variant is novel (not in any individuals) in gnomAD Exomes and 1000 Genomes. This variant has not been reported to the ClinVar database. The amino acid His at position 2052 is changed to a Arg changing protein sequence and it might alter its composition and physico-chemical properties. The amino acid change p.His2052Arg in EPG5 is predicted as conserved by GERP++ and PhyloP across 100 vertebrates. For these reasons, this variant has been classified as Uncertain Significance (VUS).